The following is an entry in ClinVar:

ClinVar aggregate classification (germline): Uncertain significance. Review status: criteria provided, multiple submitters, no conflicts (2 of 4 stars). 2 submissions from 2 submitters: Uncertain significance (2). Last evaluated 2021-12-07.

Conditions:
Catecholaminergic polymorphic ventricular tachycardia 1. Also called: RYR2-Related Catecholaminergic Polymorphic Ventricular Tachycardia; VENTRICULAR TACHYCARDIA, CATECHOLAMINERGIC POLYMORPHIC, 1, WITH OR WITHOUT ATRIAL DYSFUNCTION AND/OR DILATED CARDIOMYOPATHY; VENTRICULAR TACHYCARDIA, STRESS-INDUCED POLYMORPHIC 1. Identifiers: Orphanet 3286, MedGen C1631597, MONDO:0011484, OMIM 604772.
Cardiovascular phenotype. Identifiers: MedGen CN230736.

Allele frequency attached by ClinVar (database versions not stated): gnomAD exomes below 0.00001 and 0.00001; TOPMed below 0.00001; gnomAD 0.00001.
gnomAD v4.1: 2 of 1,500,460 alleles (0.00013%); highest among the groups gnomAD compares: African/African-American, 0.0028%; no homozygotes.

Submissions (2):

Ambry Genetics
Classification: Uncertain significance for Cardiovascular phenotype. Last evaluated: 2021-12-07. Review status: criteria provided, single submitter. Criteria: Ambry Variant Classification Scheme 2023. Collection method: clinical testing. Allele origin: germline.
Comment: The p.H186Q variant (also known as c.558C>A), located in coding exon 7 of the TRDN gene, results from a C to A substitution at nucleotide position 558. The histidine at codon 186 is replaced by glutamine, an amino acid with highly similar properties. This amino acid position is conserved. In addition, this alteration is predicted to be tolerated by in silico analysis. Since supporting evidence is limited at this time, the clinical significance of this alteration remains unclear.

Labcorp Genetics (formerly Invitae), Labcorp
Classification: Uncertain significance for Catecholaminergic polymorphic ventricular tachycardia 1. Last evaluated: 2020-09-25. Review status: criteria provided, single submitter. Criteria: Invitae Variant Classification Sherloc (09022015). Collection method: clinical testing. Allele origin: germline.
Comment: This variant is not present in population databases (ExAC no frequency). In summary, the available evidence is currently insufficient to determine the role of this variant in disease. Therefore, it has been classified as a Variant of Uncertain Significance. Algorithms developed to predict the effect of missense changes on protein structure and function output the following: SIFT: "Deleterious"; PolyPhen-2: "Not Available"; Align-GVGD: "Class C0". The glutamine amino acid residue is found in multiple mammalian species, suggesting that this missense change does not adversely affect protein function. These predictions have not been confirmed by published functional studies and their clinical significance is uncertain. This variant has not been reported in the literature in individuals with TRDN-related conditions. This sequence change replaces histidine with glutamine at codon 186 of the TRDN protein (p.His186Gln). The histidine residue is moderately conserved and there is a small physicochemical difference between histidine and glutamine.

NM_006073.4(TRDN):c.558C>A (p.His186Gln)

Gene: TRDN (triadin; minus strand). Cytogenetic location: 6q22.31.
Variant type: single nucleotide variant.
Coding change: c.558C>A on transcript NM_006073.4 (MANE Select); coding-DNA position 558, C replaced by A.
Protein change: p.His186Gln; replaces histidine 186 with glutamine.
Molecular consequence: missense variant.
Genome position (GRCh38, 1-based): chr6:123,512,355, G>T on the plus strand (C>A on the coding strand, the complement: TRDN is on the minus strand). VCF-style: chr6-123512355-G-T. GRCh37 (hg19) VCF-style: chr6-123833500-G-T.
Other names: c.558C>A, p.His186Gln (NM_001251987.2, NM_001256020.2, NM_001256021.2); short protein forms H186Q.
Identifiers: ClinVar variation 1021189 (VCV001021189.12), dbSNP rs1173699706, ClinGen allele CA365568138.